The following is an entry in ClinVar:

ClinVar aggregate classification (germline): Likely benign. Review status: criteria provided, multiple submitters, no conflicts (2 of 4 stars). 3 submissions from 3 submitters: Likely benign (2). 1 of the submissions does not count toward it. Last evaluated 2025-08-08.

Conditions:
TBX3-related disorder. Also called: TBX3-related condition.
Ulnar-mammary syndrome (UMS). Also called: SCHINZEL SYNDROME; Ulnar-mammary syndrome of Pallister; PALLISTER ULNAR-MAMMARY SYNDROME. Identifiers: Orphanet 3138, MedGen C1866994, MONDO:0008411, OMIM 181450.

Allele frequency attached by ClinVar (database versions not stated): gnomAD 0.00001 and 0.00003; TOPMed 0.00003; gnomAD exomes 0.00004 and 0.00006; ExAC 0.00006; ESP Exome Variant Server 0.00008; 1000 Genomes Project 30x 0.00016; 1000 Genomes Project 0.00020.
gnomAD v4.1: 60 of 1,606,822 alleles (0.0037%); highest among the groups gnomAD compares: Middle Eastern, 0.12%; no homozygotes.

Submissions (3):

Labcorp Genetics (formerly Invitae), Labcorp
Classification: Likely benign for Ulnar-mammary syndrome. Last evaluated: 2025-08-08. Review status: criteria provided, single submitter. Criteria: Invitae Variant Classification Sherloc (09022015). Collection method: clinical testing. Allele origin: germline.

Illumina Laboratory Services, Illumina
Classification: Likely benign for Ulnar-mammary syndrome. Last evaluated: 2018-01-13. Review status: criteria provided, single submitter. Criteria: ICSL Variant Classification Criteria 13 December 2019. Collection method: clinical testing. Allele origin: germline.
Comment: This variant was observed in the ICSL laboratory as part of a predisposition screen in an ostensibly healthy population. It had not been previously curated by ICSL or reported in the Human Gene Mutation Database (HGMD: prior to June 1st, 2018), and was therefore a candidate for classification through an automated scoring system. Utilizing variant allele frequency, disease prevalence and penetrance estimates, and inheritance mode, an automated score was calculated to assess if this variant is too frequent to cause the disease. Based on the score and internal cut-off values, a variant classified as likely benign is not then subjected to further curation. The score for this variant resulted in a classification of likely benign for this disease.

PreventionGenetics, part of Exact Sciences
Classification: Likely benign for TBX3-related condition. Last evaluated: 2022-12-20. Review status: no assertion criteria provided. Collection method: clinical testing. Allele origin: germline. Not counted in ClinVar's aggregate classification.
Comment: This variant is classified as likely benign based on ACMG/AMP sequence variant interpretation guidelines (Richards et al. 2015 PMID: 25741868, with internal and published modifications).

NM_005996.4(TBX3):c.1233G>A (p.Ala411=)

Gene: TBX3 (T-box transcription factor 3; minus strand). Cytogenetic location: 12q24.21.
Variant type: single nucleotide variant.
Coding change: c.1233G>A on transcript NM_005996.4 (MANE Select); coding-DNA position 1233, G replaced by A.
Protein change: p.Ala411=; no amino-acid change (alanine 411 retained).
Molecular consequence: synonymous variant.
Genome position (GRCh38, 1-based): chr12:114,674,642, C>T on the plus strand (G>A on the coding strand, the complement: TBX3 is on the minus strand). VCF-style: chr12-114674642-C-T. GRCh37 (hg19) VCF-style: chr12-115112447-C-T.
Other names: c.1293G>A (NM_016569.3); c.1293G>A, p.Ala431= (NM_016569.4).
Identifiers: ClinVar variation 307367 (VCV000307367.10), dbSNP rs148511845, ClinGen allele CA6809961.
Genomic context (GRCh38, chr12:114,674,642, plus strand): 5'-CGCGCCCAGGCCGCGAGTGCTGGACGAGATGGTGGCGGGGCTATGGCGTGAGTCGGGCGA[C>T]GCTTTGTCCAGCCGCCCGCTGTCCCGGGGCCGCTCAGCAGCGAAAAGGTGAGCCTTGACC-3'
Protein context (NP_005987.3, residues 401-421): RPRDSGRLDK[Ala411=]SPDSRHSPAT